The following is an entry in ClinVar:

ClinVar aggregate classification (germline): Uncertain significance. Review status: criteria provided, multiple submitters, no conflicts (2 of 4 stars). 2 submissions from 2 submitters: Uncertain significance (2). Last evaluated 2024-07-01.

Allele frequency attached by ClinVar (database versions not stated): gnomAD exomes below 0.00001; TOPMed below 0.00001; gnomAD 0.00001.
gnomAD v4.1: 9 of 1,612,620 alleles (0.00056%); highest among the groups gnomAD compares: South Asian, 0.0011%; no homozygotes.

Submissions (2):

CeGaT Center for Human Genetics Tuebingen
Classification: Uncertain significance. Last evaluated: 2024-07-01. Review status: criteria provided, single submitter. Criteria: CeGaT Center For Human Genetics Tuebingen Variant Classification Criteria Version 2. Collection method: clinical testing. Allele origin: germline. Affected: yes. Observed: 1 variant allele.
Comment: RDH12: PM2, PP3

Women's Health and Genetics/Laboratory Corporation of America, LabCorp
Classification: Uncertain significance. Last evaluated: 2024-03-31. Review status: criteria provided, single submitter. Criteria: LabCorp Variant Classification Summary - May 2015. Collection method: clinical testing. Allele origin: germline.

NM_152443.3(RDH12):c.343+5G>A

Genes: GPHN (gephyrin; plus strand), RDH12 (retinol dehydrogenase 12; plus strand). Cytogenetic location: 14q24.1.
Variant type: single nucleotide variant.
Coding change: c.343+5G>A on transcript NM_152443.3 (MANE Select); 5 bases into the intron after coding-DNA position 343, G replaced by A.
Molecular consequence: intron variant.
Genome position (GRCh38, 1-based): chr14:67,725,259, G>A. VCF-style: chr14-67725259-G-A. GRCh37 (hg19) VCF-style: chr14-68191976-G-A.
Identifiers: ClinVar variation 3233845 (VCV003233845.19), dbSNP rs1236938342, ClinGen allele CA707976823.